The following is an entry in ClinVar:

NM_175876.5(EXOC8):c.473dup (p.Gln159fs)

Gene: EXOC8 (exocyst complex component 8; minus strand). Cytogenetic location: 1q42.2.
Variant type: Duplication.
Coding change: c.473dup on transcript NM_175876.5 (MANE Select); coding-DNA position 473, one base duplicated (A; older notation c.473dupA).
Protein change: p.Gln159fs; shifts the reading frame from glutamine 159.
Molecular consequence: frameshift variant.
Genome position (GRCh38, 1-based): chr1:231,337,273, T duplicated on the plus strand (A on the coding strand, the reverse complement: EXOC8 is on the minus strand); the first of 3 consecutive T bases (chr1:231,337,273-231,337,275); duplicating any one gives the same sequence. VCF-style (leftmost placement, unchanged base first): chr1-231337272-C-CT. GRCh37 (hg19) VCF-style: chr1-231473018-C-CT.
Other names: c.473dupA (NM_175876.5); short protein forms Q159fs.
Identifiers: ClinVar variation 3769535 (VCV003769535.2).
Genomic context (GRCh38, chr1:231,337,272, plus strand): 5'-CGTCTCCAGCAGATGCCTGCAGCCTTCCACCTTCTCAAGCAGGGTGGTGAGAGTGCGCTG[C>CT]TTTCCTTCCTCGCCTGGACCGGAGCCGTCGCGGGAGGCACCCCCGGGGGTGGAGAAAAAG-3'

ClinVar aggregate classification (germline): Likely pathogenic (1 of 4 stars; one submission).

Conditions:
Neurodevelopmental disorder with microcephaly, seizures, and brain atrophy. Identifiers: MedGen C5436747, MONDO:0033662, OMIM 619076.

Submission:

Women's Health and Genetics/Laboratory Corporation of America, LabCorp
Classification: Likely pathogenic for Neurodevelopmental disorder with microcephaly, seizures, and brain atrophy. Last evaluated: 2025-01-20. Review status: criteria provided, single submitter. Criteria: LabCorp Variant Classification Summary - May 2015. Collection method: clinical testing. Allele origin: germline.
Comment: Variant summary: EXOC8 c.473dupA (p.Gln159AlafsX9) results in a premature termination codon, predicted to cause a truncation of the encoded protein. The variant was absent in 245150 control chromosomes (gnomAD). To our knowledge, no occurrence of c.473dupA in individuals affected with neurodevelopmental disorder with microcephaly, seizures, and brain atrophy and no experimental evidence demonstrating its impact on protein function have been reported. Two downstream truncations (example: p.E572*, pAsp607*) have been reported in the literature in homozygous individuals affected with brain atrophy, seizures, developmental delay and microcephaly (PMID: 35460391, 32103185) where the variant segregated with the disease in two large families. No submitters have cited clinical-significance assessments for this variant to ClinVar. Based on the evidence outlined above, the variant was classified as likely pathogenic.